The following is an entry in ClinVar:

ClinVar aggregate classification (germline): Uncertain significance. Review status: criteria provided, multiple submitters, no conflicts (2 of 4 stars). 2 submissions from 2 submitters: Uncertain significance (2). Last evaluated 2026-05-23.

Conditions:
Mosaic variegated aneuploidy syndrome 2 (MVA2). Identifiers: Orphanet 1052, MedGen C3279843, MONDO:0013582, OMIM 614114.
Inborn genetic diseases. Identifiers: MedGen C0950123, MeSH D030342.

gnomAD v4.1: 2 of 1,613,554 alleles (0.00012%); highest among the groups gnomAD compares: African/African-American, 0.0027%; no homozygotes.

Submissions (2):

Ambry Genetics
Classification: Uncertain significance for Inborn genetic diseases. Last evaluated: 2026-05-23. Review status: criteria provided, single submitter. Criteria: Ambry Variant Classification Scheme 2023. Collection method: clinical testing. Allele origin: germline.
Comment: The p.M210I variant (also known as c.630G>A), located in coding exon 6 of the CEP57 gene, results from a G to A substitution at nucleotide position 630. The methionine at codon 210 is replaced by isoleucine, an amino acid with highly similar properties. This amino acid position is conserved. In addition, this alteration is predicted to be tolerated by in silico analysis. Based on the available evidence, the clinical significance of this variant remains unclear.

Labcorp Genetics (formerly Invitae), Labcorp
Classification: Uncertain significance for Mosaic variegated aneuploidy syndrome 2. Last evaluated: 2025-11-25. Review status: criteria provided, single submitter. Criteria: Invitae Variant Classification Sherloc (09022015). Collection method: clinical testing. Allele origin: germline.
Comment: This sequence change replaces methionine, which is neutral and non-polar, with isoleucine, which is neutral and non-polar, at codon 210 of the CEP57 protein (p.Met210Ile). This variant is not present in population databases (gnomAD no frequency). This variant has not been reported in the literature in individuals affected with CEP57-related conditions. Invitae Evidence Modeling of protein sequence and biophysical properties (such as structural, functional, and spatial information, amino acid conservation, physicochemical variation, residue mobility, and thermodynamic stability) indicates that this missense variant is not expected to disrupt CEP57 protein function with a negative predictive value of 80%. In summary, the available evidence is currently insufficient to determine the role of this variant in disease. Therefore, it has been classified as a Variant of Uncertain Significance.

NM_014679.5(CEP57):c.630G>A (p.Met210Ile)

Gene: CEP57 (centrosomal protein 57; plus strand). Cytogenetic location: 11q21.
Variant type: single nucleotide variant.
Coding change: c.630G>A on transcript NM_014679.5 (MANE Select); coding-DNA position 630, G replaced by A.
Protein change: p.Met210Ile; replaces methionine 210 with isoleucine.
Molecular consequence: missense variant.
Genome position (GRCh38, 1-based): chr11:95,818,835, G>A. VCF-style: chr11-95818835-G-A. GRCh37 (hg19) VCF-style: chr11-95551999-G-A.
Other names: c.603G>A, p.Met201Ile (NM_001243776.2); c.630G>A, p.Met210Ile (NM_001243777.2, NM_001440871.1, NM_001440874.1); c.549G>A, p.Met183Ile (NM_001363604.2, NM_001440869.1, NM_001440870.1 and 1 more transcripts); c.513G>A, p.Met171Ile (NM_001440872.1, NM_001440876.1, NM_001440879.1 and 1 more transcripts); c.450G>A, p.Met150Ile (NM_001440873.1); c.432G>A, p.Met144Ile (NM_001440877.1, NM_001440878.1); c.369G>A, p.Met123Ile (NM_001440880.1); c.333G>A, p.Met111Ile (NM_001440881.1); and 1 more; short protein forms M111I, M123I, M144I, M150I, M171I, M183I, M201I, M210I.
Identifiers: ClinVar variation 4798147 (VCV004798147.2).